The following is an entry in ClinVar:

ClinVar aggregate classification (germline): Uncertain significance. Review status: criteria provided, multiple submitters, no conflicts (2 of 4 stars). 3 submissions from 3 submitters: Uncertain significance (3). Last evaluated 2025-04-03.

Allele frequency attached by ClinVar (database versions not stated): gnomAD exomes below 0.00001.
gnomAD v4.1: 1 of 1,614,138 alleles (0.000062%); highest among the groups gnomAD compares: Non-Finnish European, 0.000085%; no homozygotes.

Submissions (3):

GeneDx
Classification: Uncertain significance. Last evaluated: 2025-04-03. Review status: criteria provided, single submitter. Criteria: GeneDx Variant Classification Process June 2021. Collection method: clinical testing. Allele origin: germline. Affected: yes.
Comment: Not observed at significant frequency in large population cohorts (gnomAD); In silico analysis indicates that this missense variant does not alter protein structure/function; Has not been previously published as pathogenic or benign to our knowledge; This variant is associated with the following publications: (PMID: 21520338, 31554319, 9590290, 16718611)

Labcorp Genetics (formerly Invitae), Labcorp
Classification: Uncertain significance. Last evaluated: 2025-03-17. Review status: criteria provided, single submitter. Criteria: Invitae Variant Classification Sherloc (09022015). Collection method: clinical testing. Allele origin: germline.
Comment: This sequence change replaces leucine, which is neutral and non-polar, with phenylalanine, which is neutral and non-polar, at codon 1977 of the TECTA protein (p.Leu1977Phe). This variant is not present in population databases (gnomAD no frequency). This variant has not been reported in the literature in individuals affected with TECTA-related conditions. ClinVar contains an entry for this variant (Variation ID: 805645). Invitae Evidence Modeling of protein sequence and biophysical properties (such as structural, functional, and spatial information, amino acid conservation, physicochemical variation, residue mobility, and thermodynamic stability) has been performed for this missense variant. However, the output from this modeling did not meet the statistical confidence thresholds required to predict the impact of this variant on TECTA protein function. In summary, the available evidence is currently insufficient to determine the role of this variant in disease. Therefore, it has been classified as a Variant of Uncertain Significance.

Athena Diagnostics
Classification: Uncertain significance. Last evaluated: 2019-05-15. Review status: criteria provided, single submitter. Criteria: Athena Diagnostics Criteria. Collection method: clinical testing. Allele origin: germline.

NM_005422.4(TECTA):c.5929C>T (p.Leu1977Phe)

Genes: TBCEL-TECTA (TBCEL-TECTA readthrough; plus strand), TECTA (tectorin alpha; plus strand). Cytogenetic location: 11q23.3.
Variant type: single nucleotide variant.
Coding change: c.5929C>T on transcript NM_005422.4 (MANE Select); coding-DNA position 5929, C replaced by T.
Protein change: p.Leu1977Phe; replaces leucine 1977 with phenylalanine.
Molecular consequence: missense variant.
Genome position (GRCh38, 1-based): chr11:121,168,855, C>T. VCF-style: chr11-121168855-C-T. GRCh37 (hg19) VCF-style: chr11-121039564-C-T.
Other names: c.6871C>T, p.Leu2291Phe (NM_001378761.1); short protein forms L1977F, L2291F.
Identifiers: ClinVar variation 805645 (VCV000805645.7), dbSNP rs1591464632, ClinGen allele CA383036930.